The following is an entry in ClinVar:

ClinVar aggregate classification (germline): Uncertain significance (1 of 4 stars; one submission).

Conditions:
Primary open angle glaucoma (POAG). Also called: OPTN-related open angle glaucoma. Identifiers: MedGen C0339573, MONDO:0100553, OMIM 137760.
Amyotrophic lateral sclerosis type 12 (ALS12). Also called: AMYOTROPHIC LATERAL SCLEROSIS 12 WITH OR WITHOUT FRONTOTEMPORAL DEMENTIA. Identifiers: Orphanet 803, MedGen C3150692, MONDO:0013264, OMIM 613435.
Glaucoma 1, open angle, E. Identifiers: MedGen C1842026, MONDO:0007665.

Allele frequency attached by ClinVar (database versions not stated): gnomAD 0.00001; gnomAD exomes 0.00001; TOPMed 0.00002.
gnomAD v4.1: 22 of 1,578,376 alleles (0.0014%); highest among the groups gnomAD compares: Non-Finnish European, 0.0017%; no homozygotes.

Submission:

Labcorp Genetics (formerly Invitae), Labcorp
Classification: Uncertain significance for Primary open angle glaucoma; Glaucoma 1, open angle, E; Amyotrophic lateral sclerosis type 12. Last evaluated: 2021-09-25. Review status: criteria provided, single submitter. Criteria: Invitae Variant Classification Sherloc (09022015). Collection method: clinical testing. Allele origin: germline.
Comment: This variant is not present in population databases (ExAC no frequency). This sequence change falls in intron 10 of the OPTN gene. It does not directly change the encoded amino acid sequence of the OPTN protein. It affects a nucleotide within the consensus splice site of the intron. This variant has not been reported in the literature in individuals affected with OPTN-related conditions. In summary, the available evidence is currently insufficient to determine the role of this variant in disease. Therefore, it has been classified as a Variant of Uncertain Significance. Variants that disrupt the consensus splice site are a relatively common cause of aberrant splicing (PMID: 17576681, 9536098). Algorithms developed to predict the effect of sequence changes on RNA splicing suggest that this variant is not likely to affect RNA splicing.

Literature cited by the submitters: PubMed 17576681; PubMed 9536098.

NM_001008212.2(OPTN):c.1242+6C>T

Gene: OPTN (optineurin; plus strand). Cytogenetic location: 10p13.
Variant type: single nucleotide variant.
Coding change: c.1242+6C>T on transcript NM_001008212.2 (MANE Select); 6 bases into the intron after coding-DNA position 1242, C replaced by T.
Molecular consequence: intron variant.
Genome position (GRCh38, 1-based): chr10:13,126,045, C>T. VCF-style: chr10-13126045-C-T. GRCh37 (hg19) VCF-style: chr10-13168045-C-T.
Other names: c.1242+6C>T (NM_001008211.1, NM_001008213.1, NM_021980.4).
Identifiers: ClinVar variation 1429983 (VCV001429983.6), dbSNP rs906152658, ClinGen allele CA203267978.